The following is an entry in ClinVar:

NM_024570.4(RNASEH2B):c.86AGA[1] (p.Lys30del)

Gene: RNASEH2B (ribonuclease H2 subunit B; plus strand). Cytogenetic location: 13q14.3.
Variant type: Microsatellite.
Coding change: c.86AGA[1] on transcript NM_024570.4 (MANE Select); one copy of the 3-base unit AGA starting at c.86; the reference has two copies in a row; one copy, 3 bases deleted.
Protein change: p.Lys30del; deletes lysine 30.
Molecular consequence: inframe deletion.
Genome position (GRCh38, 1-based): chr13:50,927,431-50,927,433, AGA deleted; deleting any 3 consecutive bases within chr13:50,927,427-50,927,433 gives the same sequence; the position shown is the placement nearest the transcript's 3' end. VCF-style (leftmost placement, unchanged base first): chr13-50927426-AAAG-A. GRCh37 (hg19) VCF-style: chr13-51501562-AAAG-A.
Other names: c.86AGA[1], p.Lys30del (NM_001142279.2); short protein forms K30del.
Identifiers: ClinVar variation 1007251 (VCV001007251.4), dbSNP rs776706264, ClinGen allele CA6985436.

ClinVar aggregate classification (germline): Uncertain significance (1 of 4 stars; one submission).

Conditions:
Aicardi-Goutieres syndrome 2. Identifiers: Orphanet 51, MedGen C3489724, MONDO:0012429, OMIM 610181.

Submission:

Labcorp Genetics (formerly Invitae), Labcorp
Classification: Uncertain significance for Aicardi-Goutieres syndrome 2. Last evaluated: 2024-01-21. Review status: criteria provided, single submitter. Criteria: Invitae Variant Classification Sherloc (09022015). Collection method: clinical testing. Allele origin: germline.
Comment: This variant, c.89_91del, results in the deletion of 1 amino acid(s) of the RNASEH2B protein (p.Lys30del), but otherwise preserves the integrity of the reading frame. This variant is present in population databases (rs776706264, gnomAD 0.02%). This variant has not been reported in the literature in individuals affected with RNASEH2B-related conditions. Experimental studies and prediction algorithms are not available or were not evaluated, and the functional significance of this variant is currently unknown. In summary, the available evidence is currently insufficient to determine the role of this variant in disease. Therefore, it has been classified as a Variant of Uncertain Significance.